The following is an entry in ClinVar:

Conditions:
Breast-ovarian cancer, familial, susceptibility to, 1 (BROVCA1). Also called: BRCA1 Hereditary Breast and Ovarian Cancer; OVARIAN CANCER, SUSCEPTIBILITY TO. Identifiers: Orphanet 145, MedGen C2676676, MONDO:0011450, OMIM 604370. Disease mechanism: loss of function.

Submission:

Brotman Baty Institute, University of Washington
No classification provided (evidence only). Condition: Breast-ovarian cancer, familial 1. Review status: no classification provided. Collection method: in vitro. Allele origin: not applicable. Functional consequence: functionally_abnormal.
ClinVar note: "not provided" was previously submitted as the classification for the variant. However, the classification appeared to be based only on an observation of functional data so it was converted to no classification on 2025-07-30.

NM_007294.4(BRCA1):c.5406+3A>C

Gene: BRCA1 (BRCA1 DNA repair associated; minus strand). Cytogenetic location: 17q21.31.
Variant type: single nucleotide variant.
Coding change: c.5406+3A>C on transcript NM_007294.4 (MANE Select); 3 bases into the intron after coding-DNA position 5406, A replaced by C.
Molecular consequence: intron variant.
Genome position (GRCh38, 1-based): chr17:43,049,118, T>G on the plus strand (A>C on the coding strand, the complement: BRCA1 is on the minus strand). VCF-style: chr17-43049118-T-G. GRCh37 (hg19) VCF-style: chr17-41201135-T-G.
Other names: c.1953+3A>C (NM_001408458.1, NM_001408461.1, NM_001408464.1 and 7 more transcripts); c.4515+3A>C (NM_001407967.1); c.5025+3A>C (NM_001407959.1); c.5139+3A>C (NM_001407931.1, NM_001407932.1, NM_001407928.1 and 4 more transcripts); c.5262+3A>C (NM_001407747.1, NM_001407745.1, NM_001407737.1 and 18 more transcripts); c.5022+3A>C (NM_001407962.1, NM_001407960.1); c.1593+3A>C (NM_001408512.1); c.1716+3A>C (NM_001408510.1); and 84 more.
Identifiers: ClinVar variation 868432 (VCV000868432.3), dbSNP rs397509278, ClinGen allele CA916080839.
Genomic context (GRCh38, chr17:43,049,118, plus strand): 5'-CCAGTCTTGCTCACAGGAGAGAATATTGTGTCCTCCCTCTCTGACAGGGCACCCAATACT[T>G]ACTGTGCCAAGGGTGAATGATGAAAGCTCCTTCACCACAGAAGCACCACACAGCTGTACC-3'